The following is an entry in ClinVar:

NM_014336.5(AIPL1):c.1005del (p.Ala336fs)

Gene: AIPL1 (AIP like 1 HSP90 co-chaperone; minus strand). Cytogenetic location: 17p13.2.
Variant type: Deletion.
Coding change: c.1005del on transcript NM_014336.5 (MANE Select); coding-DNA position 1005, one base deleted (C; older notation c.1005delC).
Protein change: p.Ala336fs; shifts the reading frame from alanine 336.
Molecular consequence: frameshift variant. On other transcripts: 3 prime UTR variant (1).
Genome position (GRCh38, 1-based): chr17:6,425,610, G deleted on the plus strand (C on the coding strand, the reverse complement: AIPL1 is on the minus strand); the first of 3 consecutive G bases (chr17:6,425,610-6,425,612); deleting any one gives the same sequence. VCF-style (leftmost placement, unchanged base first): chr17-6425609-CG-C. GRCh37 (hg19) VCF-style: chr17-6328929-CG-C.
Other names: c.1005delC (NM_014336.4); c.816del, p.Ala273fs (NM_001033054.3); c.825del, p.Ala276fs (NM_001033055.3); c.969del, p.Ala324fs (NM_001285399.3); c.939del, p.Ala314fs (NM_001285400.3); c.933del, p.Ala312fs (NM_001285401.3); c.888del, p.Ala297fs (NM_001285402.2); c.*976del (NM_001285403.4); short protein forms A312fs, A314fs, A276fs, A324fs, A336fs, A273fs, A297fs.
Identifiers: ClinVar variation 1474717 (VCV001474717.3), dbSNP rs1356057652, ClinGen allele CA774024786.

ClinVar aggregate classification (germline): Uncertain significance. Review status: criteria provided, multiple submitters, no conflicts (2 of 4 stars). 2 submissions from 2 submitters: Uncertain significance (2). Last evaluated 2023-08-03.

Conditions:
Leber congenital amaurosis 4 (LCA4). Identifiers: MedGen C1858386, MONDO:0011458, OMIM 604393.

Submissions (2):

Women's Health and Genetics/Laboratory Corporation of America, LabCorp
Classification: Uncertain significance. Last evaluated: 2023-08-03. Review status: criteria provided, single submitter. Criteria: LabCorp Variant Classification Summary - May 2015. Collection method: clinical testing. Allele origin: germline.
Comment: Variant summary: AIPL1 c.1005delC (p.Ala336GlnfsX82) causes a frameshift which results in an extension of the protein. This variant is predicted to disrupt the C-terminal proline rich domain (PRD; amino acids 335-361; UniProt). The variant was absent in 250236 control chromosomes (gnomAD). To our knowledge, no occurrence of c.1005delC in individuals affected with Leber Congenital Amaurosis and no experimental evidence demonstrating its impact on protein function have been reported. A frame-shift variant located at a similar protein level but resulting in a different frame (c.1010_1011delAG (p.Glu337AlafsX70)), has been reported in affected individuals (see HGMD, and ClinVar Accession: SCV002243160.2). In addition several studies reported experimental evidence suggesting that the C-terminal region, which includes PRD, is required for protein function (e.g. Hidalgo-de-Quintana_2008, van der Spuy_2004, Li_2013), however a recent study found that all the variants investigated in the PRD domain (p.A352_P355del, p.A364G, p.P366R, p.E369_T372dup, p.A371_P374dup, p.P376S) had either a minimal or no significant effect on protein function (Sacristan-Reviriego_2020). The following publications have been ascertained in the context of this evaluation (PMID: 18408180, 15347646, 23418749, 33067476). One submitter has cited clinical-significance assessments for this variant to ClinVar after 2014 and has classified the variant as uncertain significance. Based on the evidence outlined above, the variant was classified as VUS-possibly pathogenic.

Labcorp Genetics (formerly Invitae), Labcorp
Classification: Uncertain significance for Leber congenital amaurosis 4. Last evaluated: 2021-07-31. Review status: criteria provided, single submitter. Criteria: Invitae Variant Classification Sherloc (09022015). Collection method: clinical testing. Allele origin: germline.
Comment: This sequence change results in a frameshift in the AIPL1 gene (p.Ala336Glnfs*82). While this is not anticipated to result in nonsense mediated decay, it is expected to disrupt the last 49 amino acid(s) of the AIPL1 protein and extend the protein by 32 additional amino acid residues. This variant is not present in population databases (ExAC no frequency). This variant has not been reported in the literature in individuals affected with AIPL1-related conditions. Experimental studies and prediction algorithms are not available or were not evaluated, and the functional significance of this variant is currently unknown. In summary, the available evidence is currently insufficient to determine the role of this variant in disease. Therefore, it has been classified as a Variant of Uncertain Significance.

Literature cited by the submitters: PubMed 33067476 (cited by Women's Health and Genetics/Laboratory Corporation of America, LabCorp); PubMed 18408180 (cited by Women's Health and Genetics/Laboratory Corporation of America, LabCorp); PubMed 15347646 (cited by Women's Health and Genetics/Laboratory Corporation of America, LabCorp); PubMed 23418749 (cited by Women's Health and Genetics/Laboratory Corporation of America, LabCorp).